The following is an entry in ClinVar:

NM_000929.3(PLA2G5):c.102G>T (p.Gly34=)

Gene: PLA2G5 (phospholipase A2 group V; plus strand). Cytogenetic location: 1p36.13.
Variant type: single nucleotide variant.
Coding change: c.102G>T on transcript NM_000929.3 (MANE Select); coding-DNA position 102, G replaced by T.
Protein change: p.Gly34=; no amino-acid change (glycine 34 retained).
Molecular consequence: synonymous variant.
Genome position (GRCh38, 1-based): chr1:20,086,144, G>T. VCF-style: chr1-20086144-G-T. GRCh37 (hg19) VCF-style: chr1-20412637-G-T.
Identifiers: ClinVar variation 1389966 (VCV001389966.8), dbSNP rs111762734, ClinGen allele CA18907823.
Genomic context (GRCh38, chr1:20,086,144, plus strand): 5'-TGTGCCTGCTGTGCAAGGAGGCTTGCTGGACCTAAAATCAATGATCGAGAAGGTGACAGG[G>T]AAGAACGCCCTGACAAACTACGGCTTCTACGGCTGTTACTGCGGCTGGGGCGGCCGAGGA-3'
Protein context (NP_000920.1, residues 24-44): DLKSMIEKVT[Gly34=]KNALTNYGFY

ClinVar aggregate classification (germline): Uncertain significance (1 of 4 stars; one submission).

Allele frequency attached by ClinVar (database versions not stated): gnomAD 0.00001.
gnomAD v4.1: 19 of 1,614,028 alleles (0.0012%); highest among the groups gnomAD compares: African/African-American, 0.011%; no homozygotes.

Submission:

Labcorp Genetics (formerly Invitae), Labcorp
Classification: Uncertain significance. Last evaluated: 2025-10-26. Review status: criteria provided, single submitter. Criteria: Invitae Variant Classification Sherloc (09022015). Collection method: clinical testing. Allele origin: germline.
Comment: This sequence change affects codon 34 of the PLA2G5 mRNA. It is a 'silent' change, meaning that it does not change the encoded amino acid sequence of the PLA2G5 protein. This variant is not present in population databases (gnomAD no frequency). This variant has not been reported in the literature in individuals affected with PLA2G5-related conditions. ClinVar contains an entry for this variant (Variation ID: 1389966). Algorithms developed to predict the effect of sequence changes on RNA splicing suggest that this variant may disrupt the consensus splice site. In summary, the available evidence is currently insufficient to determine the role of this variant in disease. Therefore, it has been classified as a Variant of Uncertain Significance.